The following is an entry in ClinVar:

ClinVar aggregate classification (germline): Pathogenic. Review status: criteria provided, single submitter (1 of 4 stars). 2 submissions from 2 submitters: Pathogenic (1). 1 of the submissions does not count toward it. Last evaluated 2024-01-08.

Conditions:
Familial cancer of breast. Also called: Hereditary breast cancer; hereditary breast carcinoma; BREAST CANCER, FAMILIAL. Identifiers: Orphanet 227535, MedGen C0346153, MONDO:0016419, OMIM 114480. Disease mechanism: loss of function.
Gastric cancer. Also called: Malignant tumor of stomach; Stomach cancer. Identifiers: MedGen C0024623, MeSH D013274, MONDO:0001056, OMIM 613659, HP:0012126.

Submissions (2):

Myriad Genetics, Inc.
Classification: Pathogenic for Familial cancer of breast. Last evaluated: 2024-01-08. Review status: criteria provided, single submitter. Criteria: Myriad Autosomal Dominant, Autosomal Recessive and X-Linked Classification Criteria (2023). Collection method: clinical testing. Allele origin: unknown.
Comment: This variant is considered pathogenic. This variant creates a frameshift predicted to result in premature protein truncation.

Laboratory for Genotyping Development, RIKEN
Classification: Pathogenic for Gastric cancer. Last evaluated: 2021-07-01. Review status: no assertion criteria provided. Collection method: research. Allele origin: germline. Not counted in ClinVar's aggregate classification.

Literature cited by the submitters: PubMed 36988593 (cited by Laboratory for Genotyping Development, RIKEN).

NM_000051.4(ATM):c.191del (p.Leu64fs)

Gene: ATM (ATM serine/threonine kinase; plus strand). Cytogenetic location: 11q22.3.
Variant type: Deletion.
Coding change: c.191del on transcript NM_000051.4 (MANE Select); coding-DNA position 191, one base deleted (T; older notation c.191delT).
Protein change: p.Leu64fs; shifts the reading frame from leucine 64.
Molecular consequence: frameshift variant.
Genome position (GRCh38, 1-based): chr11:108,229,183, T deleted; the last of 5 consecutive T bases (chr11:108,229,179-108,229,183); deleting any one gives the same sequence. VCF-style (leftmost placement, unchanged base first): chr11-108229178-AT-A. GRCh37 (hg19) VCF-style: chr11-108099905-AT-A.
Other names: c.191del, p.Leu64fs (NM_001351834.2, NM_001351835.2, NM_001351836.2); short protein forms L64fs.
Identifiers: ClinVar variation 1801628 (VCV001801628.2), dbSNP rs2496918143, ClinGen allele CA645597667.